The following is an entry in ClinVar:

ClinVar aggregate classification (germline): Conflicting classifications of pathogenicity. Review status: criteria provided, conflicting classifications (1 of 4 stars). 6 submissions from 6 submitters: Likely pathogenic (4); Uncertain significance (1). 1 of the submissions does not count toward it. Last evaluated 2025-05-09.

Conditions:
Marfan syndrome (MFS). Also called: MARFAN SYNDROME, TYPE I; FBN1-Related Marfan Syndrome; Marfan syndrome type 1; Marfan's syndrome; Marfan syndrome, classic. Identifiers: Orphanet 284963, Orphanet 558, MedGen C0024796, MONDO:0007947, OMIM 154700.
Familial thoracic aortic aneurysm and aortic dissection (TAAD). Also called: Thoracic aortic aneurysms and dissections. Identifiers: Orphanet 91387, MedGen C4707243, MONDO:0019625.

Submissions (6):

Mayo Clinic Laboratories, Mayo Clinic
Classification: Likely pathogenic. Last evaluated: 2025-05-09. Review status: criteria provided, single submitter. Criteria: ACMG Guidelines, 2015. Collection method: clinical testing. Allele origin: germline. Observed: 1 variant allele.
Comment: PP4, PM2_supporting, PS1_moderate, PS4_moderate

Revvity Omics, Revvity
Classification: Likely pathogenic. Last evaluated: 2025-01-30. Review status: criteria provided, single submitter. Criteria: ACMG Guidelines, 2015. Collection method: clinical testing. Allele origin: germline.

Labcorp Genetics (formerly Invitae), Labcorp
Classification: Likely pathogenic for Marfan syndrome; Familial thoracic aortic aneurysm and aortic dissection. Last evaluated: 2024-09-09. Review status: criteria provided, single submitter. Criteria: Invitae Variant Classification Sherloc (09022015). Collection method: clinical testing. Allele origin: germline.
Comment: This sequence change falls in intron 62 of the FBN1 gene. It does not directly change the encoded amino acid sequence of the FBN1 protein. It affects a nucleotide within the consensus splice site. This variant is not present in population databases (gnomAD no frequency). This variant has been observed in individuals with clinical features of Marfan syndrome (internal data). ClinVar contains an entry for this variant (Variation ID: 439700). Variants that disrupt the consensus splice site are a relatively common cause of aberrant splicing (PMID: 17576681, 9536098). Algorithms developed to predict the effect of sequence changes on RNA splicing suggest that this variant may disrupt the consensus splice site. In summary, the currently available evidence indicates that the variant is pathogenic, but additional data are needed to prove that conclusively. Therefore, this variant has been classified as Likely Pathogenic.

Molecular Genetics and NGS Laboratory, Hospital Fundacion Valle Del Lili
Classification: Likely pathogenic for Marfan syndrome. Last evaluated: 2024-03-27. Review status: criteria provided, single submitter. Criteria: ACMG Guidelines, 2015. Collection method: clinical testing. Allele origin: germline. Affected: yes. Observed: 4 variant alleles.

ARUP Laboratories, Molecular Genetics and Genomics, ARUP Laboratories
Classification: Uncertain significance. Last evaluated: 2016-08-30. Review status: criteria provided, single submitter. Criteria: ARUP Molecular Germline Variant Investigation Process. Collection method: clinical testing. Allele origin: germline.

Center for Medical Genetics Ghent, University of Ghent
Classification: Uncertain significance for Marfan syndrome. Last evaluated: 2017-11-07. Review status: no assertion criteria provided. Collection method: clinical testing. Allele origin: germline. Affected: yes. Not counted in ClinVar's aggregate classification.

Literature cited by the submitters: PubMed 21542060 (cited by Mayo Clinic Laboratories, Mayo Clinic); PubMed 31279624 (cited by Mayo Clinic Laboratories, Mayo Clinic); PubMed 31730815 (cited by Mayo Clinic Laboratories, Mayo Clinic); PubMed 31830381 (cited by Mayo Clinic Laboratories, Mayo Clinic); PubMed 35058154 (cited by Mayo Clinic Laboratories, Mayo Clinic); PubMed 35092149 (cited by Mayo Clinic Laboratories, Mayo Clinic); PubMed 36517271 (cited by Mayo Clinic Laboratories, Mayo Clinic); PubMed 37042257 (cited by Mayo Clinic Laboratories, Mayo Clinic); PubMed 37684520 (cited by Mayo Clinic Laboratories, Mayo Clinic); PubMed 37937776 (cited by Mayo Clinic Laboratories, Mayo Clinic); PubMed 17576681 (cited by Labcorp Genetics (formerly Invitae), Labcorp); PubMed 9536098 (cited by Labcorp Genetics (formerly Invitae), Labcorp).

NM_000138.5(FBN1):c.7699+5G>A

Gene: FBN1 (fibrillin 1; minus strand). Cytogenetic location: 15q21.1.
Variant type: single nucleotide variant.
Coding change: c.7699+5G>A on transcript NM_000138.5 (MANE Select); 5 bases into the intron after coding-DNA position 7699, G replaced by A.
Molecular consequence: intron variant.
Genome position (GRCh38, 1-based): chr15:48,421,553, C>T on the plus strand (G>A on the coding strand, the complement: FBN1 is on the minus strand). VCF-style: chr15-48421553-C-T. GRCh37 (hg19) VCF-style: chr15-48713750-C-T.
Other names: p.?.
Identifiers: ClinVar variation 439700 (VCV000439700.16), dbSNP rs1555394187, ClinGen allele CA645509189.
Genomic context (GRCh38, chr15:48,421,553, plus strand): 5'-AATAGCCACACAGGCCACCTCCACAAGGATTCACCAGCTGGATCGCAGCTGAAGTCTCCA[C>T]CCACCTTCACAGCTGGAGCCGGTCTGATCAAGTGAGAATCCCCGCTGGCATTCACAGGTG-3'